The following is an entry in ClinVar:

ClinVar aggregate classification (germline): Benign/Likely benign. Review status: criteria provided, multiple submitters, no conflicts (2 of 4 stars). 4 submissions from 4 submitters: Benign (3); Likely benign (1). Last evaluated 2026-01-25.

Conditions:
Glycogen storage disease IXa1. Also called: LIVER GLYCOGENOSIS, X-LINKED, TYPE I; GLYCOGEN STORAGE DISEASE VIII; GSD VIII; Glycogen storage disease 8. Identifiers: Orphanet 264580, MedGen C3694531, MONDO:0010598, OMIM 306000.

Allele frequency attached by ClinVar (database versions not stated): gnomAD exomes 0.00053 and 0.00143; ExAC 0.00197; gnomAD 0.00466 and 0.00498; TOPMed 0.00559; 1000 Genomes Project 0.00583; 1000 Genomes Project 30x 0.00645; ESP Exome Variant Server 0.00738.
gnomAD v4.1: 1,104 of 1,203,325 alleles (0.092%); highest among the groups gnomAD compares: African/African-American, 1.8%; 7 homozygotes.

Submissions (4):

Labcorp Genetics (formerly Invitae), Labcorp
Classification: Benign for Glycogen storage disease IXa1. Last evaluated: 2026-01-25. Review status: criteria provided, single submitter. Criteria: Invitae Variant Classification Sherloc (09022015). Collection method: clinical testing. Allele origin: germline.

Blueprint Genetics
Classification: Likely benign. Last evaluated: 2024-11-11. Review status: criteria provided, single submitter. Criteria: ACMG Guidelines, 2015. Collection method: clinical testing. Allele origin: germline.

GeneDx
Classification: Benign. Last evaluated: 2016-09-07. Review status: criteria provided, single submitter. Criteria: GeneDx Variant Classification (06012015). Collection method: clinical testing. Allele origin: germline. Affected: yes.
Comment: This variant is considered likely benign or benign based on one or more of the following criteria: it is a conservative change, it occurs at a poorly conserved position in the protein, it is predicted to be benign by multiple in silico algorithms, and/or has population frequency not consistent with disease.

Breakthrough Genomics
Classification: Benign. Review status: criteria provided, single submitter. Criteria: ACMG Guidelines, 2015. Collection method: not provided. Allele origin: germline. Inheritance: X-linked inheritance. Affected: yes.

NM_000292.3(PHKA2):c.963C>T (p.Phe321=)

Gene: PHKA2 (phosphorylase kinase regulatory subunit alpha 2; minus strand). Cytogenetic location: Xp22.13.
Variant type: single nucleotide variant.
Coding change: c.963C>T on transcript NM_000292.3 (MANE Select); coding-DNA position 963, C replaced by T.
Protein change: p.Phe321=; no amino-acid change (phenylalanine 321 retained).
Molecular consequence: synonymous variant.
Genome position (GRCh38, 1-based): chrX:18,938,705, G>A on the plus strand (C>T on the coding strand, the complement: PHKA2 is on the minus strand). VCF-style: chrX-18938705-G-A. GRCh37 (hg19) VCF-style: chrX-18956823-G-A.
Identifiers: ClinVar variation 384572 (VCV000384572.13), dbSNP rs35010660, ClinGen allele CA10362010.